The following is an entry in ClinVar:

NM_017780.4(CHD7):c.4533+3G>A

Gene: CHD7 (chromodomain helicase DNA binding protein 7; plus strand). Cytogenetic location: 8q12.2.
Variant type: single nucleotide variant.
Coding change: c.4533+3G>A on transcript NM_017780.4 (MANE Select); 3 bases into the intron after coding-DNA position 4533, G replaced by A.
Molecular consequence: intron variant.
Genome position (GRCh38, 1-based): chr8:60,838,258, G>A. VCF-style: chr8-60838258-G-A. GRCh37 (hg19) VCF-style: chr8-61750817-G-A.
Other names: c.1717-23971G>A (NM_001316690.1).
Identifiers: ClinVar variation 4851811 (VCV004851811.1).

ClinVar aggregate classification (germline): Uncertain significance (1 of 4 stars; one submission).

gnomAD v4.1: 3 of 1,599,158 alleles (0.00019%); highest among the groups gnomAD compares: Admixed American, 0.0017%; no homozygotes.

Submission:

Dasa
Classification: Uncertain significance. Last evaluated: 2026-04-16. Review status: criteria provided, single submitter. Criteria: DASA Assertion Criteria. Collection method: clinical testing. Allele origin: germline.
Comment: NM_017780.4(CHD7):c.4533+3G>A is a splice-region variant predicted to affect normal RNA splicing. Multiple computational predictions suggest no deleterious effect on the gene or gene product. The variant is present at low frequency in population datasets. Based on the available data, this variant is classified as variant of uncertain significance.